The following is an entry in ClinVar:

ClinVar aggregate classification (germline): Uncertain significance (1 of 4 stars; one submission).

Conditions:
Desmin-related myofibrillar myopathy (MFM1). Also called: Myofibrillar myopathy 1; Desminopathy; MYOFIBRILLAR MYOPATHY WITH ARRHYTHMOGENIC RIGHT VENTRICULAR CARDIOMYOPATHY; DESMIN-RELATED MYOPATHY WITH ARRHYTHMOGENIC RIGHT VENTRICULAR CARDIOMYOPATHY; Desmin related myopathy (former name); Desmin storage myopathy (former name). Identifiers: Orphanet 363543, Orphanet 98909, MedGen C1832370, MONDO:0011076, OMIM 601419.

Submission:

Labcorp Genetics (formerly Invitae), Labcorp
Classification: Uncertain significance for Desmin-related myofibrillar myopathy. Last evaluated: 2020-09-21. Review status: criteria provided, single submitter. Criteria: Invitae Variant Classification Sherloc (09022015). Collection method: clinical testing. Allele origin: germline.
Comment: This variant has not been reported in the literature in individuals with DES-related conditions. In summary, the available evidence is currently insufficient to determine the role of this variant in disease. Therefore, it has been classified as a Variant of Uncertain Significance. Experimental studies and prediction algorithms are not available or were not evaluated, and the functional significance of this variant is currently unknown. This variant is not present in population databases (ExAC no frequency). This sequence change results in a premature translational stop signal in the DES gene (p.Arg429Glufs*18). While this is not anticipated to result in nonsense mediated decay, it is expected to disrupt the last 42 amino acids of the DES protein.

NM_001927.4(DES):c.1285del (p.Arg429fs)

Gene: DES (desmin; plus strand). Cytogenetic location: 2q35.
Variant type: Deletion.
Coding change: c.1285del on transcript NM_001927.4 (MANE Select); coding-DNA position 1285, one base deleted (C; older notation c.1285delC).
Protein change: p.Arg429fs; shifts the reading frame from arginine 429.
Molecular consequence: frameshift variant.
Genome position (GRCh38, 1-based): chr2:219,423,817, C deleted; the last of 2 consecutive C bases (chr2:219,423,816-219,423,817); deleting either gives the same sequence. VCF-style (leftmost placement, unchanged base first): chr2-219423815-TC-T. GRCh37 (hg19) VCF-style: chr2-220288537-TC-T.
Other names: c.1282del, p.Arg428fs (NM_001382708.1); c.853del, p.Arg285fs (NM_001382709.1); c.1216del, p.Arg406fs (NM_001382710.1); c.1264del, p.Arg422fs (NM_001382711.1); c.1285del, p.Arg429fs (NM_001382712.1); c.1015del, p.Arg339fs (NM_001382713.1); short protein forms R285fs, R339fs, R406fs, R422fs, R428fs, R429fs.
Identifiers: ClinVar variation 1021818 (VCV001021818.7), dbSNP rs1954488513, ClinGen allele CA1329212317.